The following is an entry in ClinVar:

NM_001282933.2(ZNF341):c.837C>T (p.Ala279=)

Gene: ZNF341 (zinc finger protein 341; plus strand). Cytogenetic location: 20q11.22.
Variant type: single nucleotide variant.
Coding change: c.837C>T on transcript NM_001282933.2 (MANE Select); coding-DNA position 837, C replaced by T.
Protein change: p.Ala279=; no amino-acid change (alanine 279 retained).
Molecular consequence: synonymous variant. On other transcripts: non-coding transcript variant (1).
Genome position (GRCh38, 1-based): chr20:33,757,243, C>T. VCF-style: chr20-33757243-C-T. GRCh37 (hg19) VCF-style: chr20-32345049-C-T.
Other names: c.567C>T, p.Ala189= (NM_001282935.2); c.837C>T, p.Ala279= (NM_032819.5); c.837C>T (NM_001282933.1).
Identifiers: ClinVar variation 1600356 (VCV001600356.12), dbSNP rs150279236, ClinGen allele CA9819280.

ClinVar aggregate classification (germline): Benign/Likely benign. Review status: criteria provided, multiple submitters, no conflicts (2 of 4 stars). 4 submissions from 4 submitters: Benign (2); Likely benign (1). 1 of the submissions does not count toward it. Last evaluated 2026-01-26.

Conditions:
ZNF341-related disorder. Also called: ZNF341-related condition.

Allele frequency attached by ClinVar (database versions not stated): ExAC 0.00027; ESP Exome Variant Server 0.00077; 1000 Genomes Project 30x 0.00078; 1000 Genomes Project 0.00080; gnomAD 0.00103 and 0.00113; TOPMed 0.00109.
gnomAD v4.1: 304 of 1,605,646 alleles (0.019%); highest among the groups gnomAD compares: African/African-American, 0.37%; 1 homozygote.

Submissions (4):

Labcorp Genetics (formerly Invitae), Labcorp
Classification: Benign. Last evaluated: 2026-01-26. Review status: criteria provided, single submitter. Criteria: Invitae Variant Classification Sherloc (09022015). Collection method: clinical testing. Allele origin: germline.

Blueprint Genetics
Classification: Likely benign. Last evaluated: 2024-11-05. Review status: criteria provided, single submitter. Criteria: ACMG Guidelines, 2015. Collection method: clinical testing. Allele origin: germline.

Breakthrough Genomics
Classification: Benign. Review status: criteria provided, single submitter. Criteria: ACMG Guidelines, 2015. Collection method: not provided. Allele origin: germline. Inheritance: Autosomal recessive inheritance. Affected: yes.

PreventionGenetics, part of Exact Sciences
Classification: Likely benign for ZNF341-related condition. Last evaluated: 2019-02-19. Review status: no assertion criteria provided. Collection method: clinical testing. Allele origin: germline. Not counted in ClinVar's aggregate classification.
Comment: This variant is classified as likely benign based on ACMG/AMP sequence variant interpretation guidelines (Richards et al. 2015 PMID: 25741868, with internal and published modifications).